The following is an entry in ClinVar:

NM_002878.4(RAD51D):c.139T>C (p.Tyr47His)

Genes: RAD51L3-RFFL (RAD51L3-RFFL readthrough; minus strand), RAD51D (RAD51 paralog D; minus strand). Cytogenetic location: 17q12.
Variant type: single nucleotide variant.
Coding change: c.139T>C on transcript NM_002878.4 (MANE Select); coding-DNA position 139, T replaced by C.
Protein change: p.Tyr47His; replaces tyrosine 47 with histidine.
Molecular consequence: missense variant. On other transcripts: non-coding transcript variant (2).
Genome position (GRCh38, 1-based): chr17:35,119,116, A>G on the plus strand (T>C on the coding strand, the complement: RAD51D is on the minus strand). VCF-style: chr17-35119116-A-G. GRCh37 (hg19) VCF-style: chr17-33446135-A-G.
Other names: c.139T>C, p.Tyr47His (NM_133629.3, NM_001142571.2); short protein forms Y47H.
Identifiers: ClinVar variation 3312403 (VCV003312403.1).

ClinVar aggregate classification (germline): Uncertain significance (1 of 4 stars; one submission).

Conditions:
Hereditary cancer-predisposing syndrome. Also called: Neoplastic Syndromes, Hereditary; Tumor predisposition; Hereditary neoplastic syndrome; Hereditary Cancer Syndrome. Identifiers: Orphanet 140162, MedGen C0027672, MeSH D009386, MONDO:0015356.

Submission:

Ambry Genetics
Classification: Uncertain significance for Hereditary cancer-predisposing syndrome. Last evaluated: 2024-04-12. Review status: criteria provided, single submitter. Criteria: Ambry Variant Classification Scheme 2023. Collection method: clinical testing. Allele origin: germline.
Comment: The p.Y47H variant (also known as c.139T>C), located in coding exon 2 of the RAD51D gene, results from a T to C substitution at nucleotide position 139. The tyrosine at codon 47 is replaced by histidine, an amino acid with similar properties. This amino acid position is conserved. In addition, the in silico prediction for this alteration is inconclusive. Based on the available evidence, the clinical significance of this variant remains unclear.